The following is an entry in ClinVar:

ClinVar aggregate classification (germline): Pathogenic (1 of 4 stars; one submission).

Submission:

GeneDx
Classification: Pathogenic. Last evaluated: 2024-05-08. Review status: criteria provided, single submitter. Criteria: GeneDx Variant Classification Process June 2021. Collection method: clinical testing. Allele origin: germline. Affected: yes.
Comment: Canonical splice site variant predicted to result in a null allele in a gene for which loss of function is a known mechanism of disease; Not observed at significant frequency in large population cohorts (gnomAD); Has not been previously published as pathogenic or benign to our knowledge

NM_006940.6(SOX5):c.1342+1G>T

Gene: SOX5 (SRY-box transcription factor 5; minus strand). Cytogenetic location: 12p12.1.
Variant type: single nucleotide variant.
Coding change: c.1342+1G>T on transcript NM_006940.6 (MANE Select); the canonical splice donor site of the intron after coding-DNA position 1342, G replaced by T.
Molecular consequence: splice donor variant. On other transcripts: intron variant (1).
Genome position (GRCh38, 1-based): chr12:23,575,660, C>A on the plus strand (G>T on the coding strand, the complement: SOX5 is on the minus strand). VCF-style: chr12-23575660-C-A. GRCh37 (hg19) VCF-style: chr12-23728594-C-A.
Other names: c.1303+1G>T (NM_152989.5); c.1125+28727G>T (NM_001261414.3); c.1312+1G>T (NM_001261415.3); c.1237+1G>T (NM_001330785.2); c.184+1G>T (NM_178010.4).
Identifiers: ClinVar variation 3378162 (VCV003378162.1).